The following is an entry in ClinVar:

NM_000334.4(SCN4A):c.3679T>G (p.Tyr1227Asp)

Genes: SCN4A (sodium voltage-gated channel alpha subunit 4; minus strand), GH-LCR (growth hormone locus control region; plus strand). Cytogenetic location: 17q23.3.
Variant type: single nucleotide variant.
Coding change: c.3679T>G on transcript NM_000334.4 (MANE Select); coding-DNA position 3679, T replaced by G.
Protein change: p.Tyr1227Asp; replaces tyrosine 1227 with aspartic acid.
Molecular consequence: missense variant.
Genome position (GRCh38, 1-based): chr17:63,945,401, A>C on the plus strand (T>G on the coding strand, the complement: SCN4A is on the minus strand). VCF-style: chr17-63945401-A-C. GRCh37 (hg19) VCF-style: chr17-62022761-A-C.
Other names: short protein forms Y1227D.
Identifiers: ClinVar variation 2633145 (VCV002633145.1), dbSNP rs1908682760, ClinGen allele CA400617762.

ClinVar aggregate classification (germline): Uncertain significance (1 of 4 stars; one submission).

Conditions:
SCN4A-related disorder. Also called: SCN4A-related disorders.

Submission:

PreventionGenetics, part of Exact Sciences
Classification: Uncertain significance for SCN4A-related condition. Last evaluated: 2023-06-06. Review status: criteria provided, single submitter. Criteria: ACMG Guidelines, 2015. Collection method: clinical testing. Allele origin: germline.
Comment: The SCN4A c.3679T>G variant is predicted to result in the amino acid substitution p.Tyr1227Asp. To our knowledge, this variant has not been reported in the literature or in a large population database, indicating this variant is rare. At this time, the clinical significance of this variant is uncertain due to the absence of conclusive functional and genetic evidence.